The following is an entry in ClinVar:

NM_001004136.2(OR2T2):c.780C>T (p.Asn260=)

Gene: OR2T2 (olfactory receptor family 2 subfamily T member 2; plus strand). Cytogenetic location: 1q44.
Variant type: single nucleotide variant.
Coding change: c.780C>T on transcript NM_001004136.2 (MANE Select); coding-DNA position 780, C replaced by T.
Protein change: p.Asn260=; no amino-acid change (asparagine 260 retained).
Molecular consequence: synonymous variant.
Genome position (GRCh38, 1-based): chr1:248,453,577, C>T. VCF-style: chr1-248453577-C-T. GRCh37 (hg19) VCF-style: chr1-248616878-C-T.
Identifiers: ClinVar variation 3777940 (VCV003777940.7).

ClinVar aggregate classification (germline): Likely benign (1 of 4 stars; one submission).

Submission:

CeGaT Center for Human Genetics Tuebingen
Classification: Likely benign. Last evaluated: 2025-10-01. Review status: criteria provided, single submitter. Criteria: CeGaT Center For Human Genetics Tuebingen Variant Classification Criteria Version 2. Collection method: clinical testing. Allele origin: germline. Affected: yes. Observed: 2 variant alleles.
Comment: OR2T2: BP4, BP7